The following is an entry in ClinVar:

ClinVar aggregate classification (germline): Pathogenic/Likely pathogenic. Review status: criteria provided, multiple submitters, no conflicts (2 of 4 stars). 3 submissions from 3 submitters: Pathogenic (1); Likely pathogenic (1). 1 of the submissions does not count toward it. Last evaluated 2023-08-18.

Conditions:
46,xx sex reversal 5. Identifiers: MedGen C5394441, MONDO:0030049, OMIM 618901.

Submissions (3):

3billion
Classification: Pathogenic for 46,xx sex reversal 5. Last evaluated: 2023-08-18. Review status: criteria provided, single submitter. Criteria: ACMG Guidelines, 2015. Collection method: clinical testing. Allele origin: germline. Affected: yes.
Comment: The variant is not observed in the gnomAD v2.1.1 dataset. Predicted Consequence/Location: Frameshift: predicted to result in a loss or disruption of normal protein function through nonsense-mediated decay (NMD) or protein truncation. Multiple pathogenic variants are reported downstream of the variant. The variant has been previously reported as de novo in a similarly affected individual (PMID: 29478779). The variant has been reported to be associated with NR2F2 related disorder (ClinVar ID: VCV000916038 /PMID: 29478779). Therefore, this variant is classified as Pathogenic according to the recommendation of ACMG/AMP guideline.

Revvity Omics, Revvity
Classification: Likely pathogenic. Last evaluated: 2019-12-05. Review status: criteria provided, single submitter. Criteria: ACMG Guidelines, 2015. Collection method: clinical testing. Allele origin: germline.

OMIM
Classification: Pathogenic for 46,XX SEX REVERSAL 5. Last evaluated: 2020-06-02. Review status: no assertion criteria provided. Collection method: literature only. Allele origin: germline. Not counted in ClinVar's aggregate classification.

Literature cited by the submitters: PubMed 29478779 (cited by 3billion and OMIM).

NM_021005.4(NR2F2):c.103_109del (p.Gly35fs)

Gene: NR2F2 (nuclear receptor subfamily 2 group F member 2; plus strand). Cytogenetic location: 15q26.2.
Variant type: Deletion.
Coding change: c.103_109del on transcript NM_021005.4 (MANE Select); coding-DNA positions 103 to 109, 7 bases deleted (GGCGCCC; older notation c.103_109delGGCGCCC).
Protein change: p.Gly35fs; shifts the reading frame from glycine 35.
Molecular consequence: frameshift variant. On other transcripts: intron variant (1).
Genome position (GRCh38, 1-based): chr15:96,332,208-96,332,214, GGCGCCC deleted; deleting any 7 consecutive bases within chr15:96,332,203-96,332,214 gives the same sequence; the c. name uses the placement nearest the transcript's 3' end. VCF-style (leftmost placement, unchanged base first): chr15-96332202-CCGCCCGG-C. GRCh37 (hg19) VCF-style: chr15-96875431-CCGCCCGG-C.
Other names: c.44-1868_44-1862del (NM_001145155.2); c.103_109delGGCGCCC (NM_021005.3); short protein forms G35fs.
Identifiers: ClinVar variation 916038 (VCV000916038.6), dbSNP rs1899167400, ClinGen allele CA1139664180.